The following is an entry in ClinVar:

ClinVar aggregate classification (germline): Uncertain significance. Review status: criteria provided, single submitter (1 of 4 stars). 2 submissions from 2 submitters: Uncertain significance (1). 1 of the submissions does not count toward it. Last evaluated 2021-08-28.

Conditions:
Autism spectrum disorder - epilepsy - arthrogryposis syndrome (AMRS). Identifiers: Orphanet 370943, MedGen C3809910, MONDO:0014248, OMIM 615553.
Arthrogryposis multiplex congenita (AMC). Also called: Congenital multiple arthrogryposis; Fibrous ankylosis of multiple joints; Congenital arthromyodysplasia; Myodystrophia fetalis deformans; Otto syndrome; Rocher-Sheldon syndrome. Identifiers: Orphanet 1037, MedGen C5779613, MeSH D001176, MONDO:0015168, HP:0002804.

Allele frequency attached by ClinVar (database versions not stated): gnomAD exomes 0.00001.
gnomAD v4.1: 13 of 1,613,262 alleles (0.00081%); highest among the groups gnomAD compares: East Asian, 0.029%; no homozygotes.

Submissions (2):

Labcorp Genetics (formerly Invitae), Labcorp
Classification: Uncertain significance for Autism spectrum disorder - epilepsy - arthrogryposis syndrome. Last evaluated: 2021-08-28. Review status: criteria provided, single submitter. Criteria: Invitae Variant Classification Sherloc (09022015). Collection method: clinical testing. Allele origin: germline.
Comment: This sequence change replaces asparagine with aspartic acid at codon 234 of the SLC35A3 protein (p.Asn234Asp). The asparagine residue is moderately conserved and there is a small physicochemical difference between asparagine and aspartic acid. This variant is not present in population databases (ExAC no frequency). This variant has not been reported in the literature in individuals affected with SLC35A3-related conditions. Algorithms developed to predict the effect of missense changes on protein structure and function output the following: SIFT: "Tolerated"; PolyPhen-2: "Benign"; Align-GVGD: "Class C0". The aspartic acid amino acid residue is found in multiple mammalian species, which suggests that this missense change does not adversely affect protein function. In summary, the available evidence is currently insufficient to determine the role of this variant in disease. Therefore, it has been classified as a Variant of Uncertain Significance.

Natera, Inc.
Classification: Uncertain significance for Arthrogryposis. Last evaluated: 2020-09-16. Review status: no assertion criteria provided. Collection method: clinical testing. Allele origin: germline. Not counted in ClinVar's aggregate classification.

NM_012243.3(SLC35A3):c.700A>G (p.Asn234Asp)

Gene: SLC35A3 (solute carrier family 35 member A3; plus strand). Cytogenetic location: 1p21.2.
Variant type: single nucleotide variant.
Coding change: c.700A>G on transcript NM_012243.3 (MANE Select); coding-DNA position 700, A replaced by G.
Protein change: p.Asn234Asp; replaces asparagine 234 with aspartic acid.
Molecular consequence: missense variant. On other transcripts: intron variant (1).
Genome position (GRCh38, 1-based): chr1:100,015,367, A>G. VCF-style: chr1-100015367-A-G. GRCh37 (hg19) VCF-style: chr1-100480923-A-G.
Other names: c.826A>G, p.Asn276Asp (NM_001271685.2); c.634+3834A>G (NM_001271684.2); short protein forms N234D, N276D.
Identifiers: ClinVar variation 567532 (VCV000567532.5), dbSNP rs1557844477, ClinGen allele CA341315728.
Genomic context (GRCh38, chr1:100,015,367, plus strand): 5'-TTTGGAAGTATATTTGGATTAATGGGTGTATACATTTATGATGGAGAACTGGTATCAAAG[A>G]ATGGATTTTTTCAGGGATATAACCGACTGACCTGGATAGTAGTTGTTCTTCAGGTAAAGC-3'
Protein context (NP_036375.1, residues 224-244): YIYDGELVSK[Asn234Asp]GFFQGYNRLT